The following is an entry in ClinVar:

ClinVar aggregate classification (germline): Benign (3 of 4 stars; one submission).

Conditions:
Breast-ovarian cancer, familial, susceptibility to, 1 (BROVCA1). Also called: BRCA1 Hereditary Breast and Ovarian Cancer; OVARIAN CANCER, SUSCEPTIBILITY TO. Identifiers: Orphanet 145, MedGen C2676676, MONDO:0011450, OMIM 604370. Disease mechanism: loss of function.

Allele frequency attached by ClinVar (database versions not stated): gnomAD 0.00782 and 0.00844; TOPMed 0.00797; 1000 Genomes Project 30x 0.01187; 1000 Genomes Project 0.01198.
gnomAD v4.1: 1,274 of 152,282 alleles (0.84%); highest among the groups gnomAD compares: South Asian, 2.8%; 5 homozygotes.

Submission:

Evidence-based Network for the Interpretation of Germline Mutant Alleles (ENIGMA)
Classification: Benign for Breast-ovarian cancer, familial 1. Last evaluated: 2015-01-12. Review status: reviewed by expert panel. Criteria: ENIGMA BRCA1/2 Classification Criteria (2015). Collection method: curation. Allele origin: germline.
Comment: Class 1 not pathogenic based on frequency >1% in an outbred sampleset. Frequency 0.01016 (African), derived from 1000 genomes (2012-04-30).

NM_007294.4(BRCA1):c.4357+794G>A

Gene: BRCA1 (BRCA1 DNA repair associated; minus strand). Cytogenetic location: 17q21.31.
Variant type: single nucleotide variant.
Coding change: c.4357+794G>A on transcript NM_007294.4 (MANE Select); 794 bases into the intron after coding-DNA position 4357, G replaced by A.
Molecular consequence: intron variant.
Genome position (GRCh38, 1-based): chr17:43,081,610, C>T on the plus strand (G>A on the coding strand, the complement: BRCA1 is on the minus strand). VCF-style: chr17-43081610-C-T. GRCh37 (hg19) VCF-style: chr17-41233627-C-T.
Other names: IVS 13+794G>A; c.907+794G>A (NM_001408458.1, NM_001408453.1, NM_001408461.1 and 8 more transcripts); c.3469+794G>A (NM_001407967.1, NM_001407966.1); c.3976+794G>A (NM_001407959.1, NM_001407960.1); c.4090+794G>A (NM_001407931.1, NM_001407932.1, NM_001407935.1 and 3 more transcripts); c.4213+794G>A (NM_001407747.1, NM_001407839.1, NM_001407745.1 and 23 more transcripts); c.3973+794G>A (NM_001407962.1, NM_001407963.1); c.544+794G>A (NM_001408512.1); and 52 more.
Identifiers: ClinVar variation 209410 (VCV000209410.2), dbSNP rs8176186, ClinGen allele CA276382.